The following is an entry in ClinVar:

ClinVar aggregate classification (germline): Likely benign. Review status: criteria provided, multiple submitters, no conflicts (2 of 4 stars). 2 submissions from 2 submitters: Likely benign (2). Last evaluated 2026-04-14.

Conditions:
Familial intrahepatic cholestasis. Identifiers: Orphanet 284385, MedGen CN296401, MONDO:0017290.

gnomAD v4.1: 2,658 of 1,511,030 alleles (0.18%); highest among the groups gnomAD compares: Non-Finnish European, 0.23%; 3 homozygotes.

Submissions (2):

Genomenon, Inc
Classification: Likely benign for Familial intrahepatic cholestasis. Last evaluated: 2026-04-14. Review status: criteria provided, single submitter. Criteria: Genomenon Sequence Variant Interpretation Standards - Updated. Collection method: curation. Allele origin: germline. Affected: no.
Comment: ATP8B1 c.1820-27G>A is an intronic variant located in intron 16. This variant has been reported in the published literature (PMID:24260417). This intronic variant is not predicted to impact splicing. This variant’s allele frequency in gnomAD is greater than expected for this disorder. In conclusion, we classify ATP8B1 c.1820-27G>A as a likely benign variant.

Mayo Clinic Laboratories, Mayo Clinic
Classification: Likely benign. Last evaluated: 2025-03-20. Review status: criteria provided, single submitter. Criteria: ACMG Guidelines, 2015. Collection method: clinical testing. Allele origin: germline. Observed: 1 variant allele.
Comment: BS1, BP4, BP7

Literature cited by the submitters: PubMed 24260417 (cited by Genomenon, Inc).

NM_001374385.1(ATP8B1):c.1820-27G>A

Gene: ATP8B1 (ATPase phospholipid transporting 8B1; minus strand). Cytogenetic location: 18q21.31.
Variant type: single nucleotide variant.
Coding change: c.1820-27G>A on transcript NM_001374385.1 (MANE Select); 27 bases into the intron before coding-DNA position 1820, G replaced by A.
Molecular consequence: intron variant.
Genome position (GRCh38, 1-based): chr18:57,671,607, C>T on the plus strand (G>A on the coding strand, the complement: ATP8B1 is on the minus strand). VCF-style: chr18-57671607-C-T. GRCh37 (hg19) VCF-style: chr18-55338839-C-T.
Other names: p.?; c.1820-27G>A (NM_005603.6); c.1670-27G>A (NM_001374386.1).
Identifiers: ClinVar variation 4684288 (VCV004684288.2).